The following is an entry in ClinVar:

ClinVar aggregate classification (germline): Uncertain significance (1 of 4 stars; one submission).

Conditions:
Congenital anomalies of kidney and urinary tract syndrome with or without hearing loss, abnormal ears, or developmental delay. Also called: Congenital Anomalies of the Kidney and Urinary Tract syndrome with or without Hearing Loss, Abnormal Ears, or Developmental Delay. Identifiers: Orphanet 656130, MedGen C4539968, MONDO:0060549, OMIM 617641.

Submission:

Victorian Clinical Genetics Services, Murdoch Childrens Research Institute
Classification: Uncertain significance for Congenital anomalies of kidney and urinary tract syndrome with or without hearing loss, abnormal ears, or developmental delay. Last evaluated: 2022-09-02. Review status: criteria provided, single submitter. Criteria: ACMG Guidelines, 2015. Collection method: clinical testing. Allele origin: germline. Inheritance: Autosomal dominant inheritance. Affected: yes.
Comment: Based on the classification scheme VCGS_Germline_v1.3.4, this variant is classified as VUS-3A. Following criteria are met: 0102 - Loss of function is a known mechanism of disease in this gene and is associated with congenital anomalies of kidney and urinary tract syndrome with or without hearing loss, abnormal ears, or developmental delay (MIM#617641). (I) 0107 - This gene is associated with autosomal dominant disease. (I) 0200 - Variant is predicted to result in a missense amino acid change from methionine to valine. (I) 0251 - This variant is heterozygous. (I) 0301 - Variant is absent from gnomAD (both v2 and v3). (SP) 0502 - Missense variant with conflicting in silico predictions and uninformative conservation. (I) 0603 - Missense variant in a region that is highly intolerant to missense variation (high constraint region in DECIPHER). (SP) 0705 - No comparable missense variants have previous evidence for pathogenicity. (I) 0807 - This variant has no previous evidence of pathogenicity. (I) 0905 - No published segregation evidence has been identified for this variant. (I) 1007 - No published functional evidence has been identified for this variant. (I) 1208 - Inheritance information for this variant is not currently available in this individual. (I) Legend: (SP) - Supporting pathogenic, (I) - Information, (SB) - Supporting benign

NM_002585.4(PBX1):c.331A>G (p.Met111Val)

Gene: PBX1 (PBX homeobox 1; plus strand). Cytogenetic location: 1q23.3.
Variant type: single nucleotide variant.
Coding change: c.331A>G on transcript NM_002585.4 (MANE Select); coding-DNA position 331, A replaced by G.
Protein change: p.Met111Val; replaces methionine 111 with valine.
Molecular consequence: missense variant.
Genome position (GRCh38, 1-based): chr1:164,792,559, A>G. VCF-style: chr1-164792559-A-G. GRCh37 (hg19) VCF-style: chr1-164761796-A-G.
Other names: c.331A>G, p.Met111Val (NM_001204961.2, NM_001204963.2, NM_001353131.2); c.82A>G, p.Met28Val (NM_001353130.1); short protein forms M111V, M28V.
Identifiers: ClinVar variation 1805951 (VCV001805951.1), dbSNP rs2526764297, ClinGen allele CA343469772.
Genomic context (GRCh38, chr1:164,792,559, plus strand): 5'-AGTATCCGAGGAGCCCAGGAGGAGGAACCCACAGACCCCCAGCTGATGCGGCTGGACAAC[A>G]TGCTGTTAGCGGAAGGCGTGGCGGGGCCTGAGAAGGGCGGAGGGTCGGCGGCAGCGGCGG-3'
Protein context (NP_002576.1, residues 101-121): TDPQLMRLDN[Met111Val]LLAEGVAGPE